The following is an entry in ClinVar:

ClinVar aggregate classification (germline): Uncertain significance. Review status: criteria provided, multiple submitters, no conflicts (2 of 4 stars). 3 submissions from 3 submitters: Uncertain significance (3). Last evaluated 2025-01-15.

Conditions:
Hereditary cancer-predisposing syndrome. Also called: Neoplastic Syndromes, Hereditary; Hereditary neoplastic syndrome; Hereditary Cancer Syndrome; Tumor predisposition. Identifiers: Orphanet 140162, MedGen C0027672, MeSH D009386, MONDO:0015356.
Fanconi anemia complementation group O. Also called: RAD51C-Related Fanconi Anemia. Identifiers: Orphanet 84, MedGen C3150653, MONDO:0013248, OMIM 613390.

Submissions (3):

Ambry Genetics
Classification: Uncertain significance for Hereditary cancer-predisposing syndrome. Last evaluated: 2025-01-15. Review status: criteria provided, single submitter. Criteria: Ambry Variant Classification Scheme 2023. Collection method: clinical testing. Allele origin: germline.
Comment: The p.S304I variant (also known as c.911G>T), located in coding exon 7 of the RAD51C gene, results from a G to T substitution at nucleotide position 911. The serine at codon 304 is replaced by isoleucine, an amino acid with dissimilar properties. This amino acid position is highly conserved in available vertebrate species. In addition, the in silico prediction for this alteration is inconclusive. Since supporting evidence is limited at this time, the clinical significance of this alteration remains unclear.

Color Diagnostics, LLC DBA Color Health
Classification: Uncertain significance for Hereditary cancer-predisposing syndrome. Last evaluated: 2024-08-05. Review status: criteria provided, single submitter. Criteria: ACMG Guidelines, 2015. Collection method: clinical testing. Allele origin: germline.
Comment: This missense variant replaces serine with isoleucine at codon 304 of the RAD51C protein. Computational prediction suggests that this variant may not impact protein structure and function (internally defined REVEL score threshold <= 0.5, PMID: 27666373). To our knowledge, functional studies have not been reported for this variant. This variant has not been reported in individuals affected with RAD51C-related disorders in the literature. This variant has not been identified in the general population by the Genome Aggregation Database (gnomAD). The available evidence is insufficient to determine the role of this variant in disease conclusively. Therefore, this variant is classified as a Variant of Uncertain Significance.

Labcorp Genetics (formerly Invitae), Labcorp
Classification: Uncertain significance for Fanconi anemia complementation group O. Last evaluated: 2023-12-13. Review status: criteria provided, single submitter. Criteria: Invitae Variant Classification Sherloc (09022015). Collection method: clinical testing. Allele origin: germline.
Comment: This sequence change replaces serine, which is neutral and polar, with isoleucine, which is neutral and non-polar, at codon 304 of the RAD51C protein (p.Ser304Ile). This variant is not present in population databases (gnomAD no frequency). This variant has not been reported in the literature in individuals affected with RAD51C-related conditions. ClinVar contains an entry for this variant (Variation ID: 659276). Advanced modeling of protein sequence and biophysical properties (such as structural, functional, and spatial information, amino acid conservation, physicochemical variation, residue mobility, and thermodynamic stability) performed at Invitae indicates that this missense variant is not expected to disrupt RAD51C protein function with a negative predictive value of 80%. In summary, the available evidence is currently insufficient to determine the role of this variant in disease. Therefore, it has been classified as a Variant of Uncertain Significance.

NM_058216.3(RAD51C):c.911G>T (p.Ser304Ile)

Gene: RAD51C (RAD51 paralog C; plus strand). Cytogenetic location: 17q22.
Variant type: single nucleotide variant.
Coding change: c.911G>T on transcript NM_058216.3 (MANE Select); coding-DNA position 911, G replaced by T.
Protein change: p.Ser304Ile; replaces serine 304 with isoleucine.
Molecular consequence: missense variant. On other transcripts: non-coding transcript variant (1).
Genome position (GRCh38, 1-based): chr17:58,724,046, G>T. VCF-style: chr17-58724046-G-T. GRCh37 (hg19) VCF-style: chr17-56801407-G-T.
Other names: short protein forms S304I.
Identifiers: ClinVar variation 659276 (VCV000659276.13), dbSNP rs1598510989, ClinGen allele CA400361300.